The following is an entry in ClinVar:

ClinVar aggregate classification (germline): Uncertain significance. Review status: criteria provided, multiple submitters, no conflicts (2 of 4 stars). 2 submissions from 2 submitters: Uncertain significance (2). Last evaluated 2021-09-17.

Conditions:
Dias-Logan syndrome. Also called: Intellectual developmental disorder with persistence of fetal hemoglobin; INTELLECTUAL DEVELOPMENTAL DISORDER WITH HEREDITARY PERSISTENCE OF FETAL HEMOGLOBIN. Identifiers: Orphanet 619233, MedGen C4310833, MONDO:0014914, OMIM 617101.
Inborn genetic diseases. Identifiers: MedGen C0950123, MeSH D030342.

Allele frequency attached by ClinVar (database versions not stated): TOPMed 0.00002.

Submissions (2):

Ambry Genetics
Classification: Uncertain significance for Inborn genetic diseases. Last evaluated: 2021-09-17. Review status: criteria provided, single submitter. Criteria: Ambry Variant Classification Scheme 2023. Collection method: clinical testing. Allele origin: germline.

Center for Genomics, Ann and Robert H. Lurie Children's Hospital of Chicago
Classification: Uncertain significance for Dias-Logan syndrome. Last evaluated: 2021-03-30. Review status: criteria provided, single submitter. Criteria: ACMG Guidelines, 2015. Collection method: clinical testing. Allele origin: germline.
Comment: BCL11A NM_018014 exon 4 p.Leu360Val (c.1078C>G): This variant has not been reported in the literature but is present in 1/15200 African alleles in the Genome Aggregation Database. Evolutionary conservation and computational predictive tools suggest that this variant may impact the protein. In summary, data on this variant is insufficient for disease classification. Therefore, the clinical significance of this variant is uncertain.

NM_022893.4(BCL11A):c.1078C>G (p.Leu360Val)

Gene: BCL11A (BCL11 transcription factor A; minus strand). Cytogenetic location: 2p16.1.
Variant type: single nucleotide variant.
Coding change: c.1078C>G on transcript NM_022893.4 (MANE Select); coding-DNA position 1078, C replaced by G.
Protein change: p.Leu360Val; replaces leucine 360 with valine.
Molecular consequence: missense variant. On other transcripts: intron variant (1).
Genome position (GRCh38, 1-based): chr2:60,461,834, G>C on the plus strand (C>G on the coding strand, the complement: BCL11A is on the minus strand). VCF-style: chr2-60461834-G-C. GRCh37 (hg19) VCF-style: chr2-60688969-G-C.
Other names: c.976C>G, p.Leu326Val (NM_001363864.1, NM_001365609.1); c.1078C>G, p.Leu360Val (NM_018014.4); c.630+448C>G (NM_138559.2); c.1078C>G (NM_022893.3); short protein forms L360V, L326V.
Identifiers: ClinVar variation 625893 (VCV000625893.5), dbSNP rs746326118, ClinGen allele CA49017776.